The following is an entry in ClinVar:

ClinVar aggregate classification (germline): Uncertain significance. Review status: criteria provided, multiple submitters, no conflicts (2 of 4 stars). 4 submissions from 4 submitters: Uncertain significance (4). Last evaluated 2025-11-05.

Conditions:
Cardiovascular phenotype. Identifiers: MedGen CN230736.
Dilated cardiomyopathy 1JJ (CMD1JJ). Identifiers: Orphanet 154, MedGen C3808935, MONDO:0014095, OMIM 615235.

Allele frequency attached by ClinVar (database versions not stated): TOPMed 0.00002; gnomAD 0.00001; ExAC 0.00002; gnomAD exomes 0.00001 and 0.00002.
gnomAD v4.1: 19 of 1,611,790 alleles (0.0012%); highest among the groups gnomAD compares: African/African-American, 0.008%; no homozygotes.

Submissions (4):

Ambry Genetics
Classification: Uncertain significance for Cardiovascular phenotype. Last evaluated: 2025-11-05. Review status: criteria provided, single submitter. Criteria: Ambry Variant Classification Scheme 2023. Collection method: clinical testing. Allele origin: germline.

Labcorp Genetics (formerly Invitae), Labcorp
Classification: Uncertain significance for Dilated cardiomyopathy 1JJ. Last evaluated: 2025-01-07. Review status: criteria provided, single submitter. Criteria: Invitae Variant Classification Sherloc (09022015). Collection method: clinical testing. Allele origin: germline.
Comment: This sequence change replaces asparagine, which is neutral and polar, with serine, which is neutral and polar, at codon 68 of the LAMA4 protein (p.Asn68Ser). This variant is present in population databases (rs782428669, gnomAD 0.01%). This variant has not been reported in the literature in individuals affected with LAMA4-related conditions. ClinVar contains an entry for this variant (Variation ID: 423982). An algorithm developed to predict the effect of missense changes on protein structure and function (PolyPhen-2) suggests that this variant¬¨‚Ä†is likely to be tolerated. In summary, the available evidence is currently insufficient to determine the role of this variant in disease. Therefore, it has been classified as a Variant of Uncertain Significance.

Fulgent Genetics
Classification: Uncertain significance for Dilated cardiomyopathy 1JJ. Last evaluated: 2021-10-06. Review status: criteria provided, single submitter. Criteria: ACMG Guidelines, 2015. Collection method: clinical testing. Allele origin: unknown.

GeneDx
Classification: Uncertain significance. Last evaluated: 2019-11-19. Review status: criteria provided, single submitter. Criteria: GeneDx Variant Classification Process June 2021. Collection method: clinical testing. Allele origin: germline. Affected: yes.
Comment: Has not been previously published as pathogenic or benign to our knowledge; Not observed at a significant frequency in large population cohorts (Lek et al., 2016); In silico analysis, which includes protein predictors and evolutionary conservation, supports that this variant does not alter protein structure/function

NM_001105206.3(LAMA4):c.203A>G (p.Asn68Ser)

Gene: LAMA4 (laminin subunit alpha 4; minus strand). Cytogenetic location: 6q21.
Variant type: single nucleotide variant.
Coding change: c.203A>G on transcript NM_001105206.3 (MANE Select); coding-DNA position 203, A replaced by G.
Protein change: p.Asn68Ser; replaces asparagine 68 with serine.
Molecular consequence: missense variant.
Genome position (GRCh38, 1-based): chr6:112,216,462, T>C on the plus strand (A>G on the coding strand, the complement: LAMA4 is on the minus strand). VCF-style: chr6-112216462-T-C. GRCh37 (hg19) VCF-style: chr6-112537663-T-C.
Other names: c.203A>G (LRG_433t2); c.203A>G, p.Asn68Ser (NM_001105207.3, NM_002290.5); short protein forms N68S.
Identifiers: ClinVar variation 423982 (VCV000423982.11), dbSNP rs782428669, ClinGen allele CA3966272.